The following is an entry in ClinVar:

NM_001846.4(COL4A2):c.2750G>C (p.Gly917Ala)

Gene: COL4A2 (collagen type IV alpha 2 chain; plus strand). Cytogenetic location: 13q34.
Variant type: single nucleotide variant.
Coding change: c.2750G>C on transcript NM_001846.4 (MANE Select); coding-DNA position 2750, G replaced by C.
Protein change: p.Gly917Ala; replaces glycine 917 with alanine.
Molecular consequence: missense variant.
Genome position (GRCh38, 1-based): chr13:110,480,382, G>C. VCF-style: chr13-110480382-G-C. GRCh37 (hg19) VCF-style: chr13-111132729-G-C.
Other names: short protein forms G917A.
Identifiers: ClinVar variation 4988419 (VCV004988419.1).
Genomic context (GRCh38, chr13:110,480,382, plus strand): 5'-AGCAAGGCCATCCAGGAAGCCCTGGATTTAAAGGAATTGATGGAATGCCTGGGACCCCCG[G>C]GCTAAAAGGTAATTGTGTGACTGTGACCAGGGATCCCTTGGCGGGGAGGTTGGGTCTAAT-3'
Protein context (NP_001837.2, residues 907-927): KGIDGMPGTP[Gly917Ala]LKGDRGSPGM

ClinVar aggregate classification (germline): Uncertain significance (1 of 4 stars; one submission).

Conditions:
COL4A2-related disorder. Also called: COL4A2-related disorders; COL4A2-related condition.

gnomAD v4.1: 1 of 1,611,250 alleles (0.000062%); highest among the groups gnomAD compares: Non-Finnish European, 0.000085%; no homozygotes.

Submission:

PreventionGenetics, part of Exact Sciences
Classification: Uncertain significance for COL4A2-related condition. Last evaluated: 2025-05-27. Review status: criteria provided, single submitter. Criteria: ACMG Guidelines, 2015. Collection method: clinical testing. Allele origin: germline.
Comment: The COL4A2 c.2750G>C variant is predicted to result in the amino acid substitution p.Gly917Ala. To our knowledge, this variant has not been reported in the literature. This variant results in a glycine substitution in the collagen triple helical region of the COL4A2 protein and such a substitution is frequently pathogenic (Fidler et al. 2018. PubMed ID: 29632050). This genotype-phenotype correlation is predicted for COL4A2, generally with early onset phenotypes and incomplete penetrance (for details, see OMIM). This variant is reported in 0.00090% of alleles in individuals of European (Non-Finnish) descent in gnomAD. Although we suspect that this variant may be pathogenic, at this time, the clinical significance of this variant is uncertain due to the absence of conclusive functional and genetic evidence.